The following is an entry in ClinVar:

ClinVar aggregate classification (germline): Uncertain significance (1 of 4 stars; one submission).

Submission:

GeneDx
Classification: Uncertain significance. Last evaluated: 2025-02-10. Review status: criteria provided, single submitter. Criteria: GeneDx Variant Classification Process June 2021. Collection method: clinical testing. Allele origin: germline. Affected: yes.
Comment: Not observed at significant frequency in large population cohorts (gnomAD); In silico analysis supports that this missense variant has a deleterious effect on protein structure/function; Has not been previously published as pathogenic or benign to our knowledge

NM_016284.5(CNOT1):c.4167G>C (p.Leu1389Phe)

Gene: CNOT1 (CCR4-NOT transcription complex subunit 1; minus strand). Cytogenetic location: 16q21.
Variant type: single nucleotide variant.
Coding change: c.4167G>C on transcript NM_016284.5 (MANE Select); coding-DNA position 4167, G replaced by C.
Protein change: p.Leu1389Phe; replaces leucine 1389 with phenylalanine.
Molecular consequence: missense variant. On other transcripts: non-coding transcript variant (1).
Genome position (GRCh38, 1-based): chr16:58,543,874, C>G on the plus strand (G>C on the coding strand, the complement: CNOT1 is on the minus strand). VCF-style: chr16-58543874-C-G. GRCh37 (hg19) VCF-style: chr16-58577778-C-G.
Other names: c.4152G>C, p.Leu1384Phe (NM_001265612.2); c.4167G>C, p.Leu1389Phe (NM_206999.3); short protein forms L1384F, L1389F.
Identifiers: ClinVar variation 4074324 (VCV004074324.1).